The following is an entry in ClinVar:

NM_001358235.2(DCHS2):c.1858A>G (p.Thr620Ala)

Gene: DCHS2 (dachsous cadherin-related 2; minus strand). Cytogenetic location: 4q31.3.
Variant type: single nucleotide variant.
Coding change: c.1858A>G on transcript NM_001358235.2 (MANE Select); coding-DNA position 1858, A replaced by G.
Protein change: p.Thr620Ala; replaces threonine 620 with alanine.
Molecular consequence: missense variant.
Genome position (GRCh38, 1-based): chr4:154,489,498, T>C on the plus strand (A>G on the coding strand, the complement: DCHS2 is on the minus strand). VCF-style: chr4-154489498-T-C. GRCh37 (hg19) VCF-style: chr4-155410650-T-C.
Other names: c.1858A>G, p.Thr620Ala (NM_001142552.2, NM_001412223.1); short protein forms T620A.
Identifiers: ClinVar variation 3058899 (VCV003058899.2), dbSNP rs72731014, ClinGen allele CA3113787.

ClinVar aggregate classification (germline): Benign (0 of 4 stars; one submission).

Conditions:
DCHS2-related disorder. Also called: DCHS2-related condition.

Allele frequency attached by ClinVar (database versions not stated): ESP Exome Variant Server 0.13732; TOPMed 0.16247; gnomAD 0.16765; 1000 Genomes Project 30x 0.16833; 1000 Genomes Project 0.17292; gnomAD exomes 0.18790; ExAC 0.20556.
gnomAD v4.1: 288,538 of 1,551,148 alleles (19%); highest among the groups gnomAD compares: Admixed American, 32%; 28,734 homozygotes.

Submission:

PreventionGenetics, part of Exact Sciences
Classification: Benign for DCHS2-related condition. Last evaluated: 2019-10-18. Review status: no assertion criteria provided. Collection method: clinical testing. Allele origin: germline.
Comment: This variant is classified as benign based on ACMG/AMP sequence variant interpretation guidelines (Richards et al. 2015 PMID: 25741868, with internal and published modifications).